The following is an entry in ClinVar:

NM_144631.6(ZNF513):c.1180C>G (p.Pro394Ala)

Gene: ZNF513 (zinc finger protein 513; minus strand). Cytogenetic location: 2p23.3.
Variant type: single nucleotide variant.
Coding change: c.1180C>G on transcript NM_144631.6 (MANE Select); coding-DNA position 1180, C replaced by G.
Protein change: p.Pro394Ala; replaces proline 394 with alanine.
Molecular consequence: missense variant.
Genome position (GRCh38, 1-based): chr2:27,377,991, G>C on the plus strand (C>G on the coding strand, the complement: ZNF513 is on the minus strand). VCF-style: chr2-27377991-G-C. GRCh37 (hg19) VCF-style: chr2-27600858-G-C.
Other names: c.994C>G, p.Pro332Ala (NM_001201459.2); c.1180C>G (NM_144631.5); short protein forms P394A, P332A.
Identifiers: ClinVar variation 1414639 (VCV001414639.9), dbSNP rs763646571, ClinGen allele CA1577842.

ClinVar aggregate classification (germline): Uncertain significance. Review status: criteria provided, multiple submitters, no conflicts (2 of 4 stars). 2 submissions from 2 submitters: Uncertain significance (2). Last evaluated 2025-12-24.

Allele frequency attached by ClinVar (database versions not stated): ExAC 0.00002; gnomAD exomes 0.00002; TOPMed 0.00002.

Submissions (2):

Ambry Genetics
Classification: Uncertain significance. Last evaluated: 2025-12-24. Review status: criteria provided, single submitter. Criteria: Ambry Variant Classification Scheme 2023. Collection method: clinical testing. Allele origin: germline.

Labcorp Genetics (formerly Invitae), Labcorp
Classification: Uncertain significance. Last evaluated: 2025-08-11. Review status: criteria provided, single submitter. Criteria: Invitae Variant Classification Sherloc (09022015). Collection method: clinical testing. Allele origin: germline.
Comment: This sequence change replaces proline, which is neutral and non-polar, with alanine, which is neutral and non-polar, at codon 394 of the ZNF513 protein (p.Pro394Ala). This variant is present in population databases (rs763646571, gnomAD 0.005%). This variant has not been reported in the literature in individuals affected with ZNF513-related conditions. ClinVar contains an entry for this variant (Variation ID: 1414639). An algorithm developed to predict the effect of missense changes on protein structure and function (PolyPhen-2) suggests that this variant is likely to be disruptive. In summary, the available evidence is currently insufficient to determine the role of this variant in disease. Therefore, it has been classified as a Variant of Uncertain Significance.